The following is an entry in ClinVar:

ClinVar aggregate classification (germline): Uncertain significance (1 of 4 stars; one submission).

Submission:

CeGaT Center for Human Genetics Tuebingen
Classification: Uncertain significance. Last evaluated: 2026-08-01. Review status: criteria provided, single submitter. Criteria: CeGaT Center For Human Genetics Tuebingen Variant Classification Criteria Version 2. Collection method: clinical testing. Allele origin: germline. Affected: yes. Observed: 1 variant allele.
Comment: DNM2: PM2

NM_001005361.3(DNM2):c.2344C>G (p.Pro782Ala)

Gene: DNM2 (dynamin 2; plus strand). Cytogenetic location: 19p13.2.
Variant type: single nucleotide variant.
Coding change: c.2344C>G on transcript NM_001005361.3 (MANE Select); coding-DNA position 2344, C replaced by G.
Protein change: p.Pro782Ala; replaces proline 782 with alanine.
Molecular consequence: missense variant.
Genome position (GRCh38, 1-based): chr19:10,830,179, C>G. VCF-style: chr19-10830179-C-G. GRCh37 (hg19) VCF-style: chr19-10940855-C-G.
Other names: c.2344C>G, p.Pro782Ala (NM_001005360.3, NM_001190716.2); c.2332C>G, p.Pro778Ala (NM_001005362.3, NM_004945.4); short protein forms P778A, P782A.
Identifiers: ClinVar variation 5040375 (VCV005040375.1).
Genomic context (GRCh38, chr19:10,830,179, plus strand): 5'-CCTCACAGCCCCACTCCACAGCGCCGACCGGTGTCCAGCATACACCCCCCTGGCCGGCCC[C>G]CAGCAGTGAGGGGCCCCACTCCAGGGCCCCCCCTGATTCCTGTTCCCGTGGGGGCAGCAG-3'
Protein context (NP_001005361.1, residues 772-792): VSSIHPPGRP[Pro782Ala]AVRGPTPGPP